The following is an entry in ClinVar:

NM_000152.5(GAA):c.2646+3G>A

Gene: GAA (alpha glucosidase; plus strand). Cytogenetic location: 17q25.3.
Variant type: single nucleotide variant.
Coding change: c.2646+3G>A on transcript NM_000152.5 (MANE Select); 3 bases into the intron after coding-DNA position 2646, G replaced by A.
Molecular consequence: intron variant.
Genome position (GRCh38, 1-based): chr17:80,118,360, G>A. VCF-style: chr17-80118360-G-A. GRCh37 (hg19) VCF-style: chr17-78092159-G-A.
Other names: c.2646+3G>A (NM_001079803.3, NM_001079804.3).
Identifiers: ClinVar variation 1903335 (VCV001903335.3), dbSNP rs1296908953, ClinGen allele CA628018714.

ClinVar aggregate classification (germline): Uncertain significance. Review status: criteria provided, multiple submitters, no conflicts (2 of 4 stars). 2 submissions from 2 submitters: Uncertain significance (2). Last evaluated 2025-05-19.

Conditions:
Glycogen storage disease, type II (IOPD). Also called: Pompe Disease; Glycogen storage disease type 2; Acid maltase deficiency disease; Aglucosidase alfa; Deficiency of alpha-glucosidase; Deficiency of lysosomal alpha-glucosidase. Identifiers: Orphanet 365, MedGen C0017921, MONDO:0009290, OMIM 232300.

Allele frequency attached by ClinVar (database versions not stated): gnomAD exomes below 0.00001.
gnomAD v4.1: 2 of 1,559,984 alleles (0.00013%); highest among the groups gnomAD compares: South Asian, 0.0012%; no homozygotes.

Submissions (2):

Revvity Omics, Revvity
Classification: Uncertain significance. Last evaluated: 2025-05-19. Review status: criteria provided, single submitter. Criteria: ACMG Guidelines, 2015. Collection method: clinical testing. Allele origin: germline.

Labcorp Genetics (formerly Invitae), Labcorp
Classification: Uncertain significance for Glycogen storage disease, type II. Last evaluated: 2022-07-22. Review status: criteria provided, single submitter. Criteria: Invitae Variant Classification Sherloc (09022015). Collection method: clinical testing. Allele origin: germline.
Comment: This sequence change falls in intron 18 of the GAA gene. It does not directly change the encoded amino acid sequence of the GAA protein. It affects a nucleotide within the consensus splice site. This variant is present in population databases (no rsID available, gnomAD 0.005%). This variant has not been reported in the literature in individuals affected with GAA-related conditions. Variants that disrupt the consensus splice site are a relatively common cause of aberrant splicing (PMID: 17576681, 9536098). Algorithms developed to predict the effect of sequence changes on RNA splicing suggest that this variant is not likely to affect RNA splicing. In summary, the available evidence is currently insufficient to determine the role of this variant in disease. Therefore, it has been classified as a Variant of Uncertain Significance.

Literature cited by the submitters: PubMed 17576681 (cited by Labcorp Genetics (formerly Invitae), Labcorp); PubMed 9536098 (cited by Labcorp Genetics (formerly Invitae), Labcorp).